The following is an entry in ClinVar:

ClinVar aggregate classification (germline): Uncertain significance (1 of 4 stars; one submission).

Conditions:
Kabuki syndrome. Also called: Kabuki make-up syndrome; NIIKAWA-KUROKI SYNDROME. Identifiers: Orphanet 2322, MedGen C0796004, MONDO:0016512.

gnomAD v4.1: 1 of 1,609,424 alleles (0.000062%); highest among the groups gnomAD compares: African/African-American, 0.0013%; no homozygotes.

Submission:

Labcorp Genetics (formerly Invitae), Labcorp
Classification: Uncertain significance for Kabuki syndrome. Last evaluated: 2023-08-10. Review status: criteria provided, single submitter. Criteria: Invitae Variant Classification Sherloc (09022015). Collection method: clinical testing. Allele origin: germline.
Comment: This sequence change replaces alanine, which is neutral and non-polar, with glycine, which is neutral and non-polar, at codon 4862 of the KMT2D protein (p.Ala4862Gly). This variant is not present in population databases (gnomAD no frequency). This variant has not been reported in the literature in individuals affected with KMT2D-related conditions. ClinVar contains an entry for this variant (Variation ID: 1419846). Advanced modeling of protein sequence and biophysical properties (such as structural, functional, and spatial information, amino acid conservation, physicochemical variation, residue mobility, and thermodynamic stability) performed at Invitae indicates that this missense variant is not expected to disrupt KMT2D protein function. In summary, the available evidence is currently insufficient to determine the role of this variant in disease. Therefore, it has been classified as a Variant of Uncertain Significance.

NM_003482.4(KMT2D):c.14585C>G (p.Ala4862Gly)

Gene: KMT2D (lysine methyltransferase 2D; minus strand). Cytogenetic location: 12q13.12.
Variant type: single nucleotide variant.
Coding change: c.14585C>G on transcript NM_003482.4 (MANE Select); coding-DNA position 14585, C replaced by G.
Protein change: p.Ala4862Gly; replaces alanine 4862 with glycine.
Molecular consequence: missense variant.
Genome position (GRCh38, 1-based): chr12:49,027,861, G>C on the plus strand (C>G on the coding strand, the complement: KMT2D is on the minus strand). VCF-style: chr12-49027861-G-C. GRCh37 (hg19) VCF-style: chr12-49421644-G-C.
Other names: short protein forms A4862G.
Identifiers: ClinVar variation 1419846 (VCV001419846.8), dbSNP rs746563322, ClinGen allele CA384694223.